The following is an entry in ClinVar:

ClinVar aggregate classification (germline): Likely benign. Review status: criteria provided, multiple submitters, no conflicts (2 of 4 stars). 4 submissions from 4 submitters: Likely benign (3). 1 of the submissions does not count toward it. Last evaluated 2025-08-07.

Conditions:
Retinitis pigmentosa 71 (RP71). Identifiers: Orphanet 791, MedGen C4225342, MONDO:0014618, OMIM 616394.
Bardet-Biedl syndrome 20. Identifiers: MedGen C4310707, MONDO:0023670, OMIM 619471, MONDO:0014926.
Short-rib thoracic dysplasia 10 with or without polydactyly (SRTD10). Identifiers: Orphanet 474, MedGen C3810175, MONDO:0014284, OMIM 615630.
IFT172-related disorder. Also called: IFT172-related condition; IFT172-related disorders.

Allele frequency attached by ClinVar (database versions not stated): gnomAD 0.00012 and 0.00019; ExAC 0.00024; 1000 Genomes Project 0.00080.
gnomAD v4.1: 208 of 1,292,302 alleles (0.016%); highest among the groups gnomAD compares: South Asian, 0.21%; no homozygotes.

Submissions (5):

Labcorp Genetics (formerly Invitae), Labcorp
Classification: Likely benign for Retinitis pigmentosa 71; Short-rib thoracic dysplasia 10 with or without polydactyly. Last evaluated: 2025-08-07. Review status: criteria provided, single submitter. Criteria: Invitae Variant Classification Sherloc (09022015). Collection method: clinical testing. Allele origin: germline.

Blueprint Genetics
Classification: Likely benign. Last evaluated: 2023-11-30. Review status: criteria provided, single submitter. Criteria: ACMG Guidelines, 2015. Collection method: clinical testing. Allele origin: germline.

Fulgent Genetics
Classification: Likely benign for Short-rib thoracic dysplasia 10 with or without polydactyly; Retinitis pigmentosa 71; Bardet-Biedl syndrome 20. Last evaluated: 2022-05-06. Review status: criteria provided, single submitter. Criteria: ACMG Guidelines, 2015. Collection method: clinical testing. Allele origin: unknown.

PreventionGenetics, part of Exact Sciences
Classification: Likely benign for IFT172-related condition. Last evaluated: 2022-01-12. Review status: no assertion criteria provided. Collection method: clinical testing. Allele origin: germline. Not counted in ClinVar's aggregate classification.
Comment: This variant is classified as likely benign based on ACMG/AMP sequence variant interpretation guidelines (Richards et al. 2015 PMID: 25741868, with internal and published modifications).

Dr. Peter K. Rogan Lab, Western University
No classification provided (evidence only). Condition: Ovarian serous cystadenocarcinoma. Review status: no classification provided. Collection method: in vitro. Allele origin: not applicable. Functional consequence: retained intron. Not counted in ClinVar's aggregate classification.

NM_015662.3(IFT172):c.184-10A>T

Gene: IFT172 (intraflagellar transport 172; minus strand). Cytogenetic location: 2p23.3.
Variant type: single nucleotide variant.
Coding change: c.184-10A>T on transcript NM_015662.3 (MANE Select); 10 bases into the intron before coding-DNA position 184, A replaced by T.
Molecular consequence: intron variant.
Genome position (GRCh38, 1-based): chr2:27,485,140, T>A on the plus strand (A>T on the coding strand, the complement: IFT172 is on the minus strand). VCF-style: chr2-27485140-T-A. GRCh37 (hg19) VCF-style: chr2-27708007-T-A.
Other names: c.184-10A>T (NM_015662.2).
Identifiers: ClinVar variation 1122628 (VCV001122628.14), dbSNP rs546122503, ClinGen allele CA1581085.